The following is an entry in ClinVar:

NM_003073.5(SMARCB1):c.307A>C (p.Asn103His)

Gene: SMARCB1 (SWI/SNF related BAF chromatin remodeling complex subunit B1; plus strand). Cytogenetic location: 22q11.23.
Variant type: single nucleotide variant.
Coding change: c.307A>C on transcript NM_003073.5 (MANE Select); coding-DNA position 307, A replaced by C.
Protein change: p.Asn103His; replaces asparagine 103 with histidine.
Molecular consequence: missense variant.
Genome position (GRCh38, 1-based): chr22:23,793,633, A>C. VCF-style: chr22-23793633-A-C. GRCh37 (hg19) VCF-style: chr22-24135820-A-C.
Other names: c.280A>C, p.Asn94His (NM_001007468.3, NM_001317946.2); c.307A>C, p.Asn103His (NM_001362877.2); c.307A>C (NM_003073.3); short protein forms N103H, N94H.
Identifiers: ClinVar variation 1468458 (VCV001468458.9), dbSNP rs2145964114, ClinGen allele CA410933847.

ClinVar aggregate classification (germline): Uncertain significance. Review status: criteria provided, multiple submitters, no conflicts (2 of 4 stars). 2 submissions from 2 submitters: Uncertain significance (2). Last evaluated 2025-05-23.

Conditions:
Hereditary cancer-predisposing syndrome. Also called: Tumor predisposition; Hereditary Cancer Syndrome; Hereditary neoplastic syndrome; Neoplastic Syndromes, Hereditary. Identifiers: Orphanet 140162, MedGen C0027672, MeSH D009386, MONDO:0015356.

Submissions (2):

Ambry Genetics
Classification: Uncertain significance for Hereditary cancer-predisposing syndrome. Last evaluated: 2025-05-23. Review status: criteria provided, single submitter. Criteria: Ambry Variant Classification Scheme 2023. Collection method: clinical testing. Allele origin: germline.
Comment: The p.N103H variant (also known as c.307A>C), located in coding exon 3 of the SMARCB1 gene, results from an A to C substitution at nucleotide position 307. The asparagine at codon 103 is replaced by histidine, an amino acid with similar properties. This amino acid position is conserved. In addition, the in silico prediction for this alteration is inconclusive. Based on the available evidence, the clinical significance of this variant remains unclear.

Labcorp Genetics (formerly Invitae), Labcorp
Classification: Uncertain significance. Last evaluated: 2021-04-04. Review status: criteria provided, single submitter. Criteria: Invitae Variant Classification Sherloc (09022015). Collection method: clinical testing. Allele origin: germline.
Comment: In summary, the available evidence is currently insufficient to determine the role of this variant in disease. Therefore, it has been classified as a Variant of Uncertain Significance. Algorithms developed to predict the effect of missense changes on protein structure and function are either unavailable or do not agree on the potential impact of this missense change (SIFT: "Deleterious"; PolyPhen-2: "Benign"; Align-GVGD: "Class C0"). This variant has not been reported in the literature in individuals with SMARCB1-related conditions. This variant is not present in population databases (ExAC no frequency). This sequence change replaces asparagine with histidine at codon 103 of the SMARCB1 protein (p.Asn103His). The asparagine residue is highly conserved and there is a small physicochemical difference between asparagine and histidine.